The following is an entry in ClinVar:

NM_006231.4(POLE):c.2141_2142insTGTT (p.Glu714fs)

Gene: POLE (DNA polymerase epsilon, catalytic subunit; minus strand). Cytogenetic location: 12q24.33.
Variant type: Insertion.
Coding change: c.2141_2142insTGTT on transcript NM_006231.4 (MANE Select); coding-DNA positions 2141 to 2142, TGTT inserted.
Protein change: p.Glu714fs; shifts the reading frame from glutamic acid 714.
Molecular consequence: frameshift variant.
Genome position: GRCh38 VCF-style: chr12-132668387-T-TAACA. GRCh37 (hg19) VCF-style: chr12-133244973-T-TAACA.
Other names: short protein forms E714fs.
Identifiers: ClinVar variation 4671838 (VCV004671838.1).

ClinVar aggregate classification (germline): Uncertain significance (1 of 4 stars; one submission).

Conditions:
Hereditary cancer-predisposing syndrome. Also called: Neoplastic Syndromes, Hereditary; Tumor predisposition; Hereditary Cancer Syndrome; Hereditary neoplastic syndrome. Identifiers: Orphanet 140162, MedGen C0027672, MeSH D009386, MONDO:0015356.

Submission:

Ambry Genetics
Classification: Uncertain significance for Hereditary cancer-predisposing syndrome. Last evaluated: 2025-10-21. Review status: criteria provided, single submitter. Criteria: Ambry Variant Classification Scheme 2023. Collection method: clinical testing. Allele origin: germline.
Comment: The c.2141_2142insTGTT variant, located in coding exon 19 of the POLE gene, results from an insertion of 4 nucleotides at position 2141, causing a translational frameshift with a predicted alternate stop codon (p.E714Dfs*78). This alteration is expected to result in loss of function by premature protein truncation or nonsense-mediated mRNA decay. Although biallelic loss of function of POLE has been associated with autosomal recessive POLE deficiency, haploinsufficiency of POLE has not been established as a mechanism of disease for POLE-related polymerase proofreading-associated polyposis (PPAP) and POLE-related CMMRD-like syndrome. Based on the supporting evidence, this variant is expected to be causative of POLE deficiency when present along with a second pathogenic variant on the other allele; however, its clinical significance for PPAP and POLE-related CMMRD-like syndrome is unclear.